The following is an entry in ClinVar:

ClinVar aggregate classification (germline): Conflicting classifications of pathogenicity. Review status: criteria provided, conflicting classifications (1 of 4 stars). 5 submissions from 5 submitters: Uncertain significance (1); Benign (1); Likely benign (3). Last evaluated 2026-04-21.

Conditions:
DICER1-related disorder. Also called: DICER1-related condition.
DICER1-related tumor predisposition. Also called: DICER1 syndrome; DICER1-related pleuropulmonary blastoma cancer predisposition syndrome. Identifiers: Orphanet 284343, MedGen C3839822, MONDO:0100216.
Hereditary cancer-predisposing syndrome. Also called: Hereditary Cancer Syndrome; Tumor predisposition; Hereditary neoplastic syndrome; Neoplastic Syndromes, Hereditary. Identifiers: Orphanet 140162, MedGen C0027672, MeSH D009386, MONDO:0015356.

Allele frequency attached by ClinVar (database versions not stated): ExAC 0.00001; gnomAD 0.00001; gnomAD exomes 0.00001 and 0.00002; TOPMed 0.00003; 1000 Genomes Project 30x 0.00016.
gnomAD v4.1: 8 of 1,614,222 alleles (0.0005%); highest among the groups gnomAD compares: Admixed American, 0.01%; no homozygotes.

Submissions (5):

Myriad Genetics, Inc.
Classification: Benign for DICER1-related tumor predisposition. Last evaluated: 2026-04-21. Review status: criteria provided, single submitter. Criteria: Myriad Autosomal Dominant, Autosomal Recessive and X-Linked Classification Criteria (2023). Collection method: clinical testing. Allele origin: unknown.
Comment: This variant is considered benign. This variant is a silent/synonymous amino acid change and it is not expected to impact splicing.

Labcorp Genetics (formerly Invitae), Labcorp
Classification: Likely benign for DICER1-related tumor predisposition. Last evaluated: 2026-01-26. Review status: criteria provided, single submitter. Criteria: Invitae Variant Classification Sherloc (09022015). Collection method: clinical testing. Allele origin: germline.

PreventionGenetics, part of Exact Sciences
Classification: Likely benign for DICER1-related condition. Last evaluated: 2025-05-23. Review status: criteria provided, single submitter. Criteria: ACMG Guidelines, 2015. Collection method: clinical testing. Allele origin: germline.
Comment: This variant is classified as likely benign based on ACMG/AMP sequence variant interpretation guidelines (Richards et al. 2015 PMID: 25741868, with internal and published modifications).

Sema4
Classification: Uncertain significance for Hereditary cancer-predisposing syndrome. Last evaluated: 2021-08-19. Review status: criteria provided, single submitter. Criteria: Sema4 Curation Guidelines. Collection method: curation. Allele origin: germline.
Comment: The DICER1 c.5652A>G (p.V1884=) variant has not been reported in the literature to our knowledge. It was observed in 4/34592 chromosomes of the Latino subpopulation in the large and broad cohorts of the Genome Aggregation Database (PMID: 32461654). The variant has been reported in ClinVar (Variation ID 417042). In silico tools suggest that the variant may strengthen a cryptic splice site, though these predictions have not been confirmed by functional studies. The evidence is insufficient to meet ACMG/AMP criteria for classifying the variant as benign or pathogenic. Thus, the clinical significance of this variant is currently uncertain.

Ambry Genetics
Classification: Likely benign for Hereditary cancer-predisposing syndrome. Last evaluated: 2018-08-02. Review status: criteria provided, single submitter. Criteria: Ambry Variant Classification Scheme 2023. Collection method: clinical testing. Allele origin: germline.

NM_177438.3(DICER1):c.5652A>G (p.Val1884=)

Gene: DICER1 (dicer 1, ribonuclease III; minus strand). Cytogenetic location: 14q32.13.
Variant type: single nucleotide variant.
Coding change: c.5652A>G on transcript NM_177438.3 (MANE Select); coding-DNA position 5652, A replaced by G.
Protein change: p.Val1884=; no amino-acid change (valine 1884 retained).
Molecular consequence: synonymous variant. On other transcripts: stop lost (1).
Genome position (GRCh38, 1-based): chr14:95,090,615, T>C on the plus strand (A>G on the coding strand, the complement: DICER1 is on the minus strand). VCF-style: chr14-95090615-T-C. GRCh37 (hg19) VCF-style: chr14-95556952-T-C.
Other names: *1830W; c.5489A>G, p.Ter1830Trp (NM_001195573.1); c.5652A>G, p.Val1884= (NM_001271282.3, NM_001291628.2, NM_030621.4).
Identifiers: ClinVar variation 417042 (VCV000417042.19), dbSNP rs780084290, ClinGen allele CA7330604.